The following is an entry in ClinVar:

NM_007294.4(BRCA1):c.284T>G (p.Leu95Arg)

Gene: BRCA1 (BRCA1 DNA repair associated; minus strand). Cytogenetic location: 17q21.31.
Variant type: single nucleotide variant.
Coding change: c.284T>G on transcript NM_007294.4 (MANE Select); coding-DNA position 284, T replaced by G.
Protein change: p.Leu95Arg; replaces leucine 95 with arginine.
Molecular consequence: missense variant. On other transcripts: non-coding transcript variant (1).
Genome position (GRCh38, 1-based): chr17:43,104,885, A>C on the plus strand (T>G on the coding strand, the complement: BRCA1 is on the minus strand). VCF-style: chr17-43104885-A-C. GRCh37 (hg19) VCF-style: chr17-41256902-A-C.
Other names: c.74T>G, p.Leu25Arg (NM_001407571.1, NM_001407853.1, NM_001407879.1 and 58 more transcripts); c.284T>G, p.Leu95Arg (NM_001407581.1, NM_001407582.1, NM_001407583.1 and 168 more transcripts); c.206T>G, p.Leu69Arg (NM_001407653.1, NM_001407654.1, NM_001407655.1 and 21 more transcripts); c.143T>G, p.Leu48Arg (NM_001407692.1, NM_001407694.1, NM_001407695.1 and 99 more transcripts); c.-98T>G (NM_001407959.1, NM_001407960.1, NM_001407962.1 and 4 more transcripts); c.152T>G, p.Leu51Arg (NM_001408451.1); short protein forms L95R, L48R, L51R, L25R, L69R.
Identifiers: ClinVar variation 868351 (VCV000868351.3), dbSNP rs2054675041, ClinGen allele CA10601583.
Genomic context (GRCh38, chr17:43,104,885, plus strand): 5'-TGGACAGCACTTGAGTGTCATTCTTGGGATATTCAACACTTACACTCCAAACCTGTGTCA[A>C]GCTGAAAAGCACAAATGATTTTCAATAGCTCTTCAACAAGTTGACTAAATCTCGTACTTT-3'
Protein context (NP_009225.1, residues 85-105): ELLKIICAFQ[Leu95Arg]DTGLEYANSY

Conditions:
Breast-ovarian cancer, familial, susceptibility to, 1 (BROVCA1). Also called: BRCA1 Hereditary Breast and Ovarian Cancer; OVARIAN CANCER, SUSCEPTIBILITY TO. Identifiers: Orphanet 145, MedGen C2676676, MONDO:0011450, OMIM 604370. Disease mechanism: loss of function.

Submission:

Brotman Baty Institute, University of Washington
No classification provided (evidence only). Condition: Breast-ovarian cancer, familial 1. Review status: no classification provided. Collection method: in vitro. Allele origin: not applicable. Functional consequence: functionally_normal.
ClinVar note: "not provided" was previously submitted as the classification for the variant. However, the classification appeared to be based only on an observation of functional data so it was converted to no classification on 2025-07-30.